The following is an entry in ClinVar:

NM_001042492.3(NF1):c.6687_6688del (p.Trp2229fs)

Gene: NF1 (neurofibromin 1; plus strand). Cytogenetic location: 17q11.2.
Variant type: Deletion.
Coding change: c.6687_6688del on transcript NM_001042492.3 (MANE Select); coding-DNA positions 6687 to 6688, 2 bases deleted (GA; older notation c.6687_6688delGA).
Protein change: p.Trp2229fs; shifts the reading frame from tryptophan 2229.
Molecular consequence: frameshift variant.
Genome position (GRCh38, 1-based): chr17:31,337,863-31,337,864, GA deleted. VCF-style (leftmost placement, unchanged base first): chr17-31337862-GGA-G. GRCh37 (hg19) VCF-style: chr17-29664880-GGA-G.
Other names: c.6624_6625delGA, p.Trp2208Cysfs (NM_000267.4); short protein forms W2229fs, W2208fs.
Identifiers: ClinVar variation 2086421 (VCV002086421.4), dbSNP rs2508757295, ClinGen allele CA2580093121.

ClinVar aggregate classification (germline): Pathogenic (1 of 4 stars; one submission).

Conditions:
Neurofibromatosis, type 1 (NF1). Also called: Neurofibromatosis, type I; VON RECKLINGHAUSEN DISEASE; NEUROFIBROMATOSIS, TYPE I, SOMATIC; Peripheral type neurofibromatosis. Identifiers: Orphanet 636, MedGen C0027831, MONDO:0018975, OMIM 162200. Disease mechanism: loss of function.

Submission:

Labcorp Genetics (formerly Invitae), Labcorp
Classification: Pathogenic for Neurofibromatosis, type 1. Last evaluated: 2022-01-18. Review status: criteria provided, single submitter. Criteria: Invitae Variant Classification Sherloc (09022015). Collection method: clinical testing. Allele origin: germline.
Comment: For these reasons, this variant has been classified as Pathogenic. This variant has not been reported in the literature in individuals affected with NF1-related conditions. This variant is not present in population databases (gnomAD no frequency). This sequence change creates a premature translational stop signal (p.Trp2208Cysfs*12) in the NF1 gene. It is expected to result in an absent or disrupted protein product. Loss-of-function variants in NF1 are known to be pathogenic (PMID: 10712197, 23913538).

Literature cited by the submitters: PubMed 10712197; PubMed 23913538.